The following is an entry in ClinVar:

NM_014633.5(CTR9):c.3275G>A (p.Arg1092Lys)

Gene: CTR9 (CTR9 component of Paf1/RNA polymerase II complex; plus strand). Cytogenetic location: 11p15.4.
Variant type: single nucleotide variant.
Coding change: c.3275G>A on transcript NM_014633.5 (MANE Select); coding-DNA position 3275, G replaced by A.
Protein change: p.Arg1092Lys; replaces arginine 1092 with lysine.
Molecular consequence: missense variant.
Genome position (GRCh38, 1-based): chr11:10,778,858, G>A. VCF-style: chr11-10778858-G-A. GRCh37 (hg19) VCF-style: chr11-10800405-G-A.
Other names: c.3203G>A, p.Arg1068Lys (NM_001346279.2); short protein forms R1068K, R1092K.
Identifiers: ClinVar variation 3013310 (VCV003013310.3), dbSNP rs778456303, ClinGen allele CA5885555.

ClinVar aggregate classification (germline): Uncertain significance (1 of 4 stars; one submission).

Allele frequency attached by ClinVar (database versions not stated): ExAC 0.00001; gnomAD exomes 0.00001.
gnomAD v4.1: 9 of 1,614,224 alleles (0.00056%); highest among the groups gnomAD compares: Non-Finnish European, 0.00076%; no homozygotes.

Submission:

Labcorp Genetics (formerly Invitae), Labcorp
Classification: Uncertain significance. Last evaluated: 2023-02-01. Review status: criteria provided, single submitter. Criteria: Invitae Variant Classification Sherloc (09022015). Collection method: clinical testing. Allele origin: germline.
Comment: Algorithms developed to predict the effect of missense changes on protein structure and function (SIFT, PolyPhen-2, Align-GVGD) all suggest that this variant is likely to be tolerated. In summary, the available evidence is currently insufficient to determine the role of this variant in disease. Therefore, it has been classified as a Variant of Uncertain Significance. This variant has not been reported in the literature in individuals affected with CTR9-related conditions. This sequence change replaces arginine, which is basic and polar, with lysine, which is basic and polar, at codon 1092 of the CTR9 protein (p.Arg1092Lys). This variant is present in population databases (rs778456303, gnomAD 0.0009%).